The following is an entry in ClinVar:

ClinVar aggregate classification (germline): Uncertain significance (1 of 4 stars; one submission).

Conditions:
Nemaline myopathy 2 (NEM2). Also called: Nemaline myopathy 2, autosomal recessive. Identifiers: MedGen C1850569, MONDO:0009725, OMIM 256030.

Submission:

Labcorp Genetics (formerly Invitae), Labcorp
Classification: Uncertain significance for Nemaline myopathy 2. Last evaluated: 2020-06-23. Review status: criteria provided, single submitter. Criteria: Invitae Variant Classification Sherloc (09022015). Collection method: clinical testing. Allele origin: germline.
Comment: This sequence change falls in intron 129 of the NEB gene. It does not directly change the encoded amino acid sequence of the NEB protein, but it affects a nucleotide within the consensus splice site of the intron. In summary, the available evidence is currently insufficient to determine the role of this variant in disease. Therefore, it has been classified as a Variant of Uncertain Significance. Nucleotide substitutions within the consensus splice site are a relatively common cause of aberrant splicing (PMID: 17576681, 9536098). Algorithms developed to predict the effect of sequence changes on RNA splicing suggest that this variant may disrupt the consensus splice site, but this prediction has not been confirmed by published transcriptional studies. This variant has not been reported in the literature in individuals with NEB-related conditions. This variant is not present in population databases (ExAC no frequency).

Literature cited by the submitters: PubMed 17576681; PubMed 9536098.

NM_001164508.2(NEB):c.19945-3C>G

Gene: NEB (nebulin; minus strand). Cytogenetic location: 2q23.3.
Variant type: single nucleotide variant.
Coding change: c.19945-3C>G on transcript NM_001164508.2 (MANE Select); 3 bases into the intron before coding-DNA position 19945, C replaced by G.
Molecular consequence: intron variant.
Genome position (GRCh38, 1-based): chr2:151,549,743, G>C on the plus strand (C>G on the coding strand, the complement: NEB is on the minus strand). VCF-style: chr2-151549743-G-C. GRCh37 (hg19) VCF-style: chr2-152406257-G-C.
Other names: c.14842-3C>G (NM_004543.5); c.19945-3C>G (NM_001164507.2, NM_001271208.2).
Identifiers: ClinVar variation 1050913 (VCV001050913.7), dbSNP rs1206840358, ClinGen allele CA2499215036.